The following is an entry in ClinVar:

ClinVar aggregate classification (germline): Conflicting classifications of pathogenicity. Review status: criteria provided, conflicting classifications (1 of 4 stars). 4 submissions from 4 submitters: Uncertain significance (1); Likely benign (2). 1 of the submissions does not count toward it. Last evaluated 2026-01-30.

Conditions:
PCDH15-related disorder. Also called: PCDH15-related disorders; PCDH15-related condition.
Usher syndrome type 1 (USH1). Also called: RETINITIS PIGMENTOSA AND CONGENITAL DEAFNESS. Identifiers: Orphanet 231169, Orphanet 886, MedGen C1568247, MONDO:0010168, OMIM 276900.

Allele frequency attached by ClinVar (database versions not stated): gnomAD 0.00002 and 0.00007; TOPMed 0.00002; gnomAD exomes 0.00016; ExAC 0.00017; 1000 Genomes Project 30x 0.00047; 1000 Genomes Project 0.00060.
gnomAD v4.1: 339 of 1,613,586 alleles (0.021%); highest among the groups gnomAD compares: East Asian, 0.74%; 5 homozygotes.

Submissions (4):

Labcorp Genetics (formerly Invitae), Labcorp
Classification: Likely benign. Last evaluated: 2026-01-30. Review status: criteria provided, single submitter. Criteria: Invitae Variant Classification Sherloc (09022015). Collection method: clinical testing. Allele origin: germline.

Blueprint Genetics
Classification: Likely benign. Last evaluated: 2024-07-15. Review status: criteria provided, single submitter. Criteria: ACMG Guidelines, 2015. Collection method: clinical testing. Allele origin: germline.

Illumina Laboratory Services, Illumina
Classification: Uncertain significance for Usher syndrome type 1. Last evaluated: 2018-01-12. Review status: criteria provided, single submitter. Criteria: ICSL Variant Classification Criteria 13 December 2019. Collection method: clinical testing. Allele origin: germline.

PreventionGenetics, part of Exact Sciences
Classification: Likely benign for PCDH15-related condition. Last evaluated: 2024-09-06. Review status: no assertion criteria provided. Collection method: clinical testing. Allele origin: germline. Not counted in ClinVar's aggregate classification.
Comment: This variant is classified as likely benign based on ACMG/AMP sequence variant interpretation guidelines (Richards et al. 2015 PMID: 25741868, with internal and published modifications).

NM_001384140.1(PCDH15):c.2768C>T (p.Pro923Leu)

Gene: PCDH15 (protocadherin related 15; minus strand). Cytogenetic location: 10q21.1.
Variant type: single nucleotide variant.
Coding change: c.2768C>T on transcript NM_001384140.1 (MANE Select); coding-DNA position 2768, C replaced by T.
Protein change: p.Pro923Leu; replaces proline 923 with leucine.
Molecular consequence: missense variant.
Genome position (GRCh38, 1-based): chr10:53,995,749, G>A on the plus strand (C>T on the coding strand, the complement: PCDH15 is on the minus strand). VCF-style: chr10-53995749-G-A. GRCh37 (hg19) VCF-style: chr10-55755509-G-A.
Other names: c.2783C>T, p.Pro928Leu (NM_001142763.2, NM_001142771.2); c.2768C>T, p.Pro923Leu (NM_001142764.2, NM_001142766.2, NM_001142770.3 and 5 more transcripts); c.2555C>T, p.Pro852Leu (NM_001142765.2); c.2657C>T, p.Pro886Leu (NM_001142767.2); c.2702C>T, p.Pro901Leu (NM_001142768.2, NM_001142773.2, NM_001354404.2); c.2804C>T, p.Pro935Leu (NM_001142769.4); c.2789C>T, p.Pro930Leu (NM_001354411.2); short protein forms P923L, P928L, P852L, P886L, P901L, P935L, P930L.
Identifiers: ClinVar variation 300186 (VCV000300186.14), dbSNP rs191577774, ClinGen allele CA5505926.
Genomic context (GRCh38, chr10:53,995,749, plus strand): 5'-GTACCCTTGACTGCATCCGGAGCCACCATCCCTTTGTATATTCGTTTACTAAAGACAGGA[G>A]GATAATCATTCATATCCTGTAAAACACAATTAGGAGTTTAGTACTTCAGTTGAAACCAGG-3'
Protein context (NP_001371069.1, residues 913-933): TVIVKDMNDY[Pro923Leu]PVFSKRIYKG